The following is an entry in ClinVar:

NM_004985.5(KRAS):c.108A>G (p.Ile36Met)

Gene: KRAS (KRas proto-oncogene, GTPase; minus strand). Cytogenetic location: 12p12.1.
Variant type: single nucleotide variant.
Coding change: c.108A>G on transcript NM_004985.5 (MANE Select); coding-DNA position 108, A replaced by G.
Protein change: p.Ile36Met; replaces isoleucine 36 with methionine.
Molecular consequence: missense variant.
Genome position (GRCh38, 1-based): chr12:25,245,277, T>C on the plus strand (A>G on the coding strand, the complement: KRAS is on the minus strand). VCF-style: chr12-25245277-T-C. GRCh37 (hg19) VCF-style: chr12-25398211-T-C.
Other names: c.108A>G, p.Ile36Met (NM_001369786.1, NM_001369787.1, NM_033360.4); short protein forms I36M.
Identifiers: ClinVar variation 163768 (VCV000163768.30), dbSNP rs727503109, ClinGen allele CA273162.

ClinVar aggregate classification (germline): Pathogenic/Likely pathogenic. Review status: criteria provided, multiple submitters, no conflicts (2 of 4 stars). 11 submissions from 11 submitters: Pathogenic (3); Likely pathogenic (4). 4 of the submissions do not count toward it. Last evaluated 2025-07-09.

Conditions:
RASopathy. Also called: Noonan spectrum disorder; rasopathies. Identifiers: Orphanet 536391, MedGen C5555857, MONDO:0021060.
KRAS-related disorder. Also called: KRAS-related condition; KRAS-related disorders.
Cardiovascular phenotype. Identifiers: MedGen CN230736.
Cardio-facio-cutaneous syndrome. Also called: Cardiofaciocutaneous syndrome; CFC syndrome. Identifiers: Orphanet 1340, MedGen C1275081, MONDO:0015280. Disease mechanism: gain of function.
Noonan syndrome (NS). Also called: Noonan's syndrome. Identifiers: Orphanet 648, MedGen C0028326, MeSH D009634, MONDO:0018997. Disease mechanism: gain of function.
Cardiofaciocutaneous syndrome 1 (CFC1). Also called: BRAF-Related Cardiofaciocutaneous Syndrome. Identifiers: Orphanet 1340, MedGen CN029449, MONDO:0007265, OMIM 115150. Disease mechanism: gain of function.

Submissions (11):

Labcorp Genetics (formerly Invitae), Labcorp
Classification: Pathogenic for RASopathy. Last evaluated: 2025-07-09. Review status: criteria provided, single submitter. Criteria: Invitae Variant Classification Sherloc (09022015). Collection method: clinical testing. Allele origin: germline.
Comment: This sequence change replaces isoleucine, which is neutral and non-polar, with methionine, which is neutral and non-polar, at codon 36 of the KRAS protein (p.Ile36Met). This variant is not present in population databases (gnomAD no frequency). This missense change has been observed in individual(s) with RASopathies spectrum (PMID: 17056636, 18958496, 21784453; internal data). In at least one individual the variant was observed to be de novo. ClinVar contains an entry for this variant (Variation ID: 163768). Invitae Evidence Modeling incorporating data from in vitro experimental studies (internal data) indicates that this missense variant is expected to disrupt KRAS function with a positive predictive value of 95%. For these reasons, this variant has been classified as Pathogenic.

GeneDx
Classification: Likely pathogenic. Last evaluated: 2024-10-23. Review status: criteria provided, single submitter. Criteria: GeneDx Variant Classification Process June 2021. Collection method: clinical testing. Allele origin: germline. Affected: yes.
Comment: Not observed at significant frequency in large population cohorts (gnomAD); Missense variants in this gene are a common cause of disease and they are underrepresented in the general population; In silico analysis supports that this missense variant has a deleterious effect on protein structure/function; This variant is associated with the following publications: (PMID: 18470943, 21784453, 24803665, 25525159, 18958496, 29493581, 17056636, 30586318, 32240795, 35158933, 17211612, 27104176, 37434678, 36066546, 37065036, 38339343)

Women's Health and Genetics/Laboratory Corporation of America, LabCorp
Classification: Likely pathogenic for Rasopathy. Last evaluated: 2018-10-25. Review status: criteria provided, single submitter. Criteria: LabCorp Variant Classification Summary - May 2015. Collection method: clinical testing. Allele origin: germline.
Comment: Variant summary: KRAS c.108A>G (p.Ile36Met) results in a conservative amino acid change located in the Small GTP-binding protein domain (IPR005225) of the encoded protein sequence. Four of five in-silico tools predict a damaging effect of the variant on protein function. The variant was absent in 237482 control chromosomes (gnomAD). c.108A>G has been reported in the literature in individuals affected with Noonan Syndrome (Zenker 2007, Lo 2009, Lee 2011). These data indicate that the variant is likely to be associated with disease. To our knowledge, no experimental evidence demonstrating an impact on protein function has been reported; though an in vitro study demonstrated that substitutions of Ile36 caused severe impairment in Ras protein function, indicating the importance of this amino acid residue (Chung 1993). Two clinical diagnostic laboratories have submitted clinical-significance assessments for this variant to ClinVar after 2014 without evidence for independent evaluation, and both classified the variant as pathogenic (1x) / likely pathogenic (1x). Based on the evidence outlined above, the variant was classified as likely pathogenic.

Blueprint Genetics
Classification: Likely pathogenic for KRAS-related disorders. Last evaluated: 2018-02-23. Review status: criteria provided, single submitter. Criteria: ACMG Guidelines, 2015. Collection method: clinical testing. Allele origin: germline. Affected: yes. Observed: 1 variant allele.

Laboratory for Molecular Medicine, Mass General Brigham Personalized Medicine
Classification: Likely pathogenic for Noonan syndrome; Cardio-facio-cutaneous syndrome. Last evaluated: 2018-02-15. Review status: criteria provided, single submitter. Criteria: LMM Criteria. Collection method: clinical testing. Allele origin: germline. Observed: 1 variant allele.
Comment: proposed classification - variant undergoing re-assessment, contact laboratory

Ambry Genetics
Classification: Pathogenic for Cardiovascular phenotype. Last evaluated: 2017-02-01. Review status: criteria provided, single submitter. Criteria: Ambry Variant Classification Scheme 2023. Collection method: clinical testing. Allele origin: germline.
Comment: The p.I36M pathogenic mutation (also known as c.108A>G), located in coding exon 1 of the KRAS gene, results from an A to G substitution at nucleotide position 108. The isoleucine at codon 36 is replaced by methionine, an amino acid with similar properties. This variant has been reported in two unrelated individuals with clinical diagnoses of Noonan syndrome (Zenker M et al. J Med Genet. 2007;44(2):131-5; Lo FS et al. Eur J Pediatr. 2009;168(8):919-23). This amino acid substitution resulted in decreased GAP activation in vitro (Chung HH et al. Proc Natl Acad Sci U S A. 1993;90(21):10145-9). In addition, this mutation has been determined by our laboratory to be the result of a de novo event in one family in the setting of new disease. Based on the supporting evidence, p.I36M is interpreted as a disease-causing mutation.

Institute for Genomic Statistics and Bioinformatics, University Hospital Bonn
Classification: Pathogenic for Cardiofaciocutaneous syndrome 1. Review status: criteria provided, single submitter. Criteria: ACMG Guidelines, 2015. Collection method: clinical testing. Allele origin: unknown. Affected: yes. Observed: 1 variant allele.

PreventionGenetics, part of Exact Sciences
Classification: Pathogenic for KRAS-related condition. Last evaluated: 2023-11-04. Review status: no assertion criteria provided. Collection method: clinical testing. Allele origin: germline. Not counted in ClinVar's aggregate classification.
Comment: The KRAS c.108A>G variant is predicted to result in the amino acid substitution p.Ile36Met. This variant has been reported as a recurrent finding in individuals with Noonan syndrome (Zenker et al. 2007. PubMed ID: 17056636; Lo et al. 2009. PubMed ID: 18958496; Lee et al. 2011. PubMed ID: 21784453). This variant has not been reported in a large population database, indicating this variant is rare. This variant is interpreted as pathogenic.

Gharavi Laboratory, Columbia University
Classification: Pathogenic. Last evaluated: 2018-09-16. Review status: no assertion criteria provided. Criteria: ACMG Guidelines, 2015. Collection method: research. Allele origin: germline. Affected: yes. Not counted in ClinVar's aggregate classification.

Genome Diagnostics Laboratory, Amsterdam University Medical Center
Classification: Pathogenic. Review status: no assertion criteria provided. Collection method: clinical testing. Allele origin: germline. Affected: yes. Study: VKGL Data-share Consensus. Not counted in ClinVar's aggregate classification.

Joint Genome Diagnostic Labs from Nijmegen and Maastricht, Radboudumc and MUMC+
Classification: Pathogenic. Review status: no assertion criteria provided. Collection method: clinical testing. Allele origin: germline. Affected: yes. Study: VKGL Data-share Consensus. Not counted in ClinVar's aggregate classification.

Literature cited by the submitters: PubMed 17056636 (cited by 4 submitters); PubMed 18958496 (cited by 4 submitters); PubMed 21784453 (cited by Labcorp Genetics (formerly Invitae), Labcorp and Women's Health and Genetics/Laboratory Corporation of America, LabCorp); PubMed 8234268 (cited by 3 submitters).